The following is an entry in ClinVar:

NM_016343.4(CENPF):c.127A>G (p.Ser43Gly)

Gene: CENPF (centromere protein F; plus strand). Cytogenetic location: 1q41.
Variant type: single nucleotide variant.
Coding change: c.127A>G on transcript NM_016343.4 (MANE Select); coding-DNA position 127, A replaced by G.
Protein change: p.Ser43Gly; replaces serine 43 with glycine.
Molecular consequence: missense variant.
Genome position (GRCh38, 1-based): chr1:214,613,881, A>G. VCF-style: chr1-214613881-A-G. GRCh37 (hg19) VCF-style: chr1-214787224-A-G.
Other names: short protein forms S43G.
Identifiers: ClinVar variation 1951398 (VCV001951398.5), dbSNP rs987822149, ClinGen allele CA37401205.

ClinVar aggregate classification (germline): Uncertain significance (1 of 4 stars; one submission).

Allele frequency attached by ClinVar (database versions not stated): gnomAD exomes below 0.00001; gnomAD 0.00001; TOPMed 0.00001.
gnomAD v4.1: 7 of 1,613,588 alleles (0.00043%); highest among the groups gnomAD compares: East Asian, 0.0022%; no homozygotes.

Submission:

Labcorp Genetics (formerly Invitae), Labcorp
Classification: Uncertain significance. Last evaluated: 2023-08-04. Review status: criteria provided, single submitter. Criteria: Invitae Variant Classification Sherloc (09022015). Collection method: clinical testing. Allele origin: germline.
Comment: This sequence change replaces serine, which is neutral and polar, with glycine, which is neutral and non-polar, at codon 43 of the CENPF protein (p.Ser43Gly). This variant is not present in population databases (gnomAD no frequency). This variant has not been reported in the literature in individuals affected with CENPF-related conditions. ClinVar contains an entry for this variant (Variation ID: 1951398). An algorithm developed to predict the effect of missense changes on protein structure and function (PolyPhen-2) suggests that this variant is likely to be tolerated. In summary, the available evidence is currently insufficient to determine the role of this variant in disease. Therefore, it has been classified as a Variant of Uncertain Significance.